The following is an entry in ClinVar:

NM_001330677.2(TBX15):c.493A>G (p.Ile165Val)

Gene: TBX15 (T-box transcription factor 15; minus strand). Cytogenetic location: 1p12.
Variant type: single nucleotide variant.
Coding change: c.493A>G on transcript NM_001330677.2 (MANE Select); coding-DNA position 493, A replaced by G.
Protein change: p.Ile165Val; replaces isoleucine 165 with valine.
Molecular consequence: missense variant.
Genome position (GRCh38, 1-based): chr1:118,926,538, T>C on the plus strand (A>G on the coding strand, the complement: TBX15 is on the minus strand). VCF-style: chr1-118926538-T-C. GRCh37 (hg19) VCF-style: chr1-119469161-T-C.
Other names: c.175A>G, p.Ile59Val (NM_152380.3); short protein forms I165V, I59V.
Identifiers: ClinVar variation 1905650 (VCV001905650.7), dbSNP rs200689686, ClinGen allele CA30364666.
Genomic context (GRCh38, chr1:118,926,538, plus strand): 5'-CCCACATTTCCACATCCCAGAGTTATTGTTACCTGTATCTTTTATTGTCCACAGGCACAA[T>C]GTCCATTGCTATGTAGTACTGCTGATGTGGATCTAGGCCAGTGATTTTCACTCTCATGGC-3'
Protein context (NP_001317606.1, residues 155-175): PHQQYYIAMD[Ile165Val]VPVDNKRYRY

ClinVar aggregate classification (germline): Uncertain significance. Review status: criteria provided, multiple submitters, no conflicts (2 of 4 stars). 3 submissions from 3 submitters: Uncertain significance (3). Last evaluated 2023-04-11.

Conditions:
Inborn genetic diseases. Identifiers: MedGen C0950123, MeSH D030342.
Pelviscapular dysplasia. Identifiers: Orphanet 93333, MedGen C1850040, MONDO:0009845, OMIM 260660.

gnomAD v4.1: 9 of 1,613,804 alleles (0.00056%); highest among the groups gnomAD compares: African/African-American, 0.011%; no homozygotes.

Submissions (3):

Genome-Nilou Lab
Classification: Uncertain significance for Pelviscapular dysplasia. Last evaluated: 2023-04-11. Review status: criteria provided, single submitter. Criteria: ACMG Guidelines, 2015. Collection method: clinical testing. Allele origin: germline. Affected: no.

Labcorp Genetics (formerly Invitae), Labcorp
Classification: Uncertain significance. Last evaluated: 2022-08-31. Review status: criteria provided, single submitter. Criteria: Invitae Variant Classification Sherloc (09022015). Collection method: clinical testing. Allele origin: germline.
Comment: In summary, the available evidence is currently insufficient to determine the role of this variant in disease. Therefore, it has been classified as a Variant of Uncertain Significance. Algorithms developed to predict the effect of missense changes on protein structure and function (SIFT, PolyPhen-2, Align-GVGD) all suggest that this variant is likely to be tolerated. This variant has not been reported in the literature in individuals affected with TBX15-related conditions. This variant is present in population databases (no rsID available, gnomAD 0.02%). This sequence change replaces isoleucine, which is neutral and non-polar, with valine, which is neutral and non-polar, at codon 59 of the TBX15 protein (p.Ile59Val).

Ambry Genetics
Classification: Uncertain significance for Inborn genetic diseases. Last evaluated: 2022-01-03. Review status: criteria provided, single submitter. Criteria: Ambry Variant Classification Scheme 2023. Collection method: clinical testing. Allele origin: germline.